The following is an entry in ClinVar:

ClinVar aggregate classification (germline): Pathogenic. Review status: criteria provided, multiple submitters, no conflicts (2 of 4 stars). 3 submissions from 3 submitters: Pathogenic (3). Last evaluated 2023-06-21.

Conditions:
Hereditary cancer-predisposing syndrome. Also called: Neoplastic Syndromes, Hereditary; Tumor predisposition; Hereditary Cancer Syndrome; Hereditary neoplastic syndrome. Identifiers: Orphanet 140162, MedGen C0027672, MeSH D009386, MONDO:0015356.
Familial adenomatous polyposis 1 (FAP1). Also called: FAMILIAL ADENOMATOUS POLYPOSIS 1, ATTENUATED; POLYPOSIS, ADENOMATOUS INTESTINAL. Identifiers: MedGen C2713442, MONDO:0021056, OMIM 175100. Disease mechanism: loss of function.

Submissions (3):

Ambry Genetics
Classification: Pathogenic for Hereditary cancer-predisposing syndrome. Last evaluated: 2023-06-21. Review status: criteria provided, single submitter. Criteria: Ambry Variant Classification Scheme 2023. Collection method: clinical testing. Allele origin: germline.
Comment: The c.4241dupT pathogenic mutation, located in coding exon 15 of the APC gene, results from a duplication of T at nucleotide position 4241, causing a translational frameshift with a predicted alternate stop codon (p.S1415Kfs*8). This alteration occurs at the 3' terminus of theAPC gene, is not expected to trigger nonsense-mediated mRNA decay, and impacts the last 1429 amino acids of the protein. However, premature stop codons are typically deleterious in nature and the impacted region is critical for protein function and a significant portion of the protein is affected (Ambry internal data). This variant is considered to be rare based on population cohorts in the Genome Aggregation Database (gnomAD). Based on the supporting evidence, this alteration is interpreted as a disease-causing mutation.

Myriad Genetics, Inc.
Classification: Pathogenic for Familial adenomatous polyposis 1. Last evaluated: 2023-05-10. Review status: criteria provided, single submitter. Criteria: Myriad Autosomal Dominant, Autosomal Recessive and X-Linked Classification Criteria (2023). Collection method: clinical testing. Allele origin: unknown.
Comment: This variant is considered pathogenic. This variant creates a frameshift predicted to result in premature protein truncation.

Labcorp Genetics (formerly Invitae), Labcorp
Classification: Pathogenic for Familial adenomatous polyposis 1. Last evaluated: 2022-01-23. Review status: criteria provided, single submitter. Criteria: Invitae Variant Classification Sherloc (09022015). Collection method: clinical testing. Allele origin: germline.
Comment: This sequence change creates a premature translational stop signal (p.Ser1415Lysfs*8) in the APC gene. While this is not anticipated to result in nonsense mediated decay, it is expected to disrupt the last 1429 amino acid(s) of the APC protein. This variant is not present in population databases (gnomAD no frequency). This premature translational stop signal has been observed in individual(s) with familial adenomatous polyposis (PMID: 19768578). This variant is also known as 4238insT. ClinVar contains an entry for this variant (Variation ID: 482468). This variant is expected to disrupt the EB1 and HDLG binding sites, which mediate interactions with the cytoskeleton (PMID: 15311282, 17293347). While functional studies have not been performed to directly test the effect on APC protein function, this suggests that disruption of the C-terminal portion of the protein is functionally important. This variant disrupts a region of the APC protein in which other variant(s) (p.Tyr2645Lysfs*14) have been determined to be pathogenic (PMID: 1316610, 8381579, 9824584, 22135120, 27081525; Invitae). This suggests that this is a clinically significant region of the protein, and that variants that disrupt it are likely to be disease-causing. For these reasons, this variant has been classified as Pathogenic.

Literature cited by the submitters: PubMed 19768578 (cited by Labcorp Genetics (formerly Invitae), Labcorp); PubMed 15311282 (cited by Labcorp Genetics (formerly Invitae), Labcorp); PubMed 17293347 (cited by Labcorp Genetics (formerly Invitae), Labcorp); PubMed 1316610 (cited by Labcorp Genetics (formerly Invitae), Labcorp); PubMed 8381579 (cited by Labcorp Genetics (formerly Invitae), Labcorp); PubMed 9824584 (cited by Labcorp Genetics (formerly Invitae), Labcorp); PubMed 22135120 (cited by Labcorp Genetics (formerly Invitae), Labcorp); PubMed 27081525 (cited by Labcorp Genetics (formerly Invitae), Labcorp).

NM_000038.6(APC):c.4241dup (p.Ser1415fs)

Gene: APC (APC regulator of Wnt signaling pathway; plus strand). Cytogenetic location: 5q22.2.
Variant type: Duplication.
Coding change: c.4241dup on transcript NM_000038.6 (MANE Select); coding-DNA position 4241, one base duplicated (T; older notation c.4241dupT).
Protein change: p.Ser1415fs; shifts the reading frame from serine 1415.
Molecular consequence: frameshift variant.
Genome position (GRCh38, 1-based): chr5:112,839,835, T duplicated. VCF-style (leftmost placement, unchanged base first): chr5-112839834-G-GT. GRCh37 (hg19) VCF-style: chr5-112175531-G-GT.
Other names: c.4241dup, p.Ser1415fs (NM_001127510.3, NM_001354895.2); c.4187dup, p.Ser1397fs (NM_001127511.3); c.4295dup, p.Ser1433fs (NM_001354896.2); c.4271dup, p.Ser1425fs (NM_001354897.2); c.4166dup, p.Ser1390fs (NM_001354898.2); c.4157dup, p.Ser1387fs (NM_001354899.2); c.4118dup, p.Ser1374fs (NM_001354900.2); c.4064dup, p.Ser1356fs (NM_001354901.2); and 6 more; short protein forms S1324fs, S1356fs, S1289fs, S1387fs, S1390fs, S1415fs, S1314fs, S1374fs.
Identifiers: ClinVar variation 482468 (VCV000482468.11), dbSNP rs1554085654, ClinGen allele CA645543800.